The following is an entry in ClinVar:

NM_001372080.1(ZSCAN29):c.408G>A (p.Glu136=)

Gene: ZSCAN29 (zinc finger and SCAN domain containing 29; minus strand). Cytogenetic location: 15q15.3.
Variant type: single nucleotide variant.
Coding change: c.408G>A on transcript NM_001372080.1 (MANE Select); coding-DNA position 408, G replaced by A.
Protein change: p.Glu136=; no amino-acid change (glutamic acid 136 retained).
Molecular consequence: synonymous variant.
Genome position (GRCh38, 1-based): chr15:43,369,038, C>T on the plus strand (G>A on the coding strand, the complement: ZSCAN29 is on the minus strand). VCF-style: chr15-43369038-C-T. GRCh37 (hg19) VCF-style: chr15-43661236-C-T.
Other names: c.408G>A, p.Glu136= (NM_152455.4).
Identifiers: ClinVar variation 3052663 (VCV003052663.2), dbSNP rs536854604, ClinGen allele CA7523504.

ClinVar aggregate classification (germline): Likely benign (0 of 4 stars; one submission).

Conditions:
ZSCAN29-related disorder. Also called: ZSCAN29-related condition.

Allele frequency attached by ClinVar (database versions not stated): gnomAD exomes below 0.00001; TOPMed 0.00001; ExAC 0.00002; gnomAD 0.00004; 1000 Genomes Project 0.00060; 1000 Genomes Project 30x 0.00062.

Submission:

PreventionGenetics, part of Exact Sciences
Classification: Likely benign for ZSCAN29-related condition. Last evaluated: 2019-08-21. Review status: no assertion criteria provided. Collection method: clinical testing. Allele origin: germline.
Comment: This variant is classified as likely benign based on ACMG/AMP sequence variant interpretation guidelines (Richards et al. 2015 PMID: 25741868, with internal and published modifications).